The following is an entry in ClinVar:

ClinVar aggregate classification (germline): Uncertain significance (1 of 4 stars; one submission).

Conditions:
Polyhydramnios, megalencephaly, and symptomatic epilepsy (PMSE). Also called: PMSE SYNDROME. Identifiers: Orphanet 500533, MedGen C1970203, MONDO:0012611, OMIM 611087.

Allele frequency attached by ClinVar (database versions not stated): TOPMed 0.00006; ESP Exome Variant Server 0.00008.
gnomAD v4.1: 72 of 1,612,554 alleles (0.0045%); highest among the groups gnomAD compares: South Asian, 0.019%; no homozygotes.

Submission:

Labcorp Genetics (formerly Invitae), Labcorp
Classification: Uncertain significance for Polyhydramnios, megalencephaly, and symptomatic epilepsy. Last evaluated: 2023-08-04. Review status: criteria provided, single submitter. Criteria: Invitae Variant Classification Sherloc (09022015). Collection method: clinical testing. Allele origin: germline.
Comment: In summary, the available evidence is currently insufficient to determine the role of this variant in disease. Therefore, it has been classified as a Variant of Uncertain Significance. An algorithm developed to predict the effect of missense changes on protein structure and function (PolyPhen-2) suggests that this variant¬†is likely to be tolerated. ClinVar contains an entry for this variant (Variation ID: 569588). This variant has not been reported in the literature in individuals affected with STRADA-related conditions. The frequency data for this variant in the population databases is considered unreliable, as metrics indicate poor data quality at this position in the gnomAD database. This sequence change replaces histidine, which is basic and polar, with aspartic acid, which is acidic and polar, at codon 351 of the STRADA protein (p.His351Asp).

NM_001003787.4(STRADA):c.1051C>G (p.His351Asp)

Gene: STRADA (STE20 related adaptor alpha; minus strand). Cytogenetic location: 17q23.3.
Variant type: single nucleotide variant.
Coding change: c.1051C>G on transcript NM_001003787.4 (MANE Select); coding-DNA position 1051, C replaced by G.
Protein change: p.His351Asp; replaces histidine 351 with aspartic acid.
Molecular consequence: missense variant. On other transcripts: non-coding transcript variant (1), intron variant (6).
Genome position (GRCh38, 1-based): chr17:63,704,390, G>C on the plus strand (C>G on the coding strand, the complement: STRADA is on the minus strand). VCF-style: chr17-63704390-G-C. GRCh37 (hg19) VCF-style: chr17-61781750-G-C.
Other names: c.940C>G, p.His314Asp (NM_001003786.3, NM_153335.6); c.877C>G, p.His293Asp (NM_001003788.3); c.1027C>G, p.His343Asp (NM_001363786.1); c.964C>G, p.His322Asp (NM_001363787.1); c.898+42C>G (NM_001363789.1); c.835+42C>G (NM_001363790.1, NM_001363791.1); c.922+42C>G (NM_001165969.2); c.877+42C>G (NM_001165970.2); and 1 more; short protein forms H351D, H293D, H314D, H322D, H343D.
Identifiers: ClinVar variation 569588 (VCV000569588.6), dbSNP rs376896311, ClinGen allele CA8703150.